The following is an entry in ClinVar:

NM_152327.5(AK7):c.1808A>T (p.Lys603Ile)

Gene: AK7 (adenylate kinase 7; plus strand). Cytogenetic location: 14q32.2.
Variant type: single nucleotide variant.
Coding change: c.1808A>T on transcript NM_152327.5 (MANE Select); coding-DNA position 1808, A replaced by T.
Protein change: p.Lys603Ile; replaces lysine 603 with isoleucine.
Molecular consequence: missense variant.
Genome position (GRCh38, 1-based): chr14:96,483,053, A>T. VCF-style: chr14-96483053-A-T. GRCh37 (hg19) VCF-style: chr14-96949390-A-T.
Other names: c.1739A>T, p.Lys580Ile (NM_001350888.2, NM_001350890.2); c.1730A>T, p.Lys577Ile (NM_001350891.2); c.1610A>T, p.Lys537Ile (NM_001350892.2); short protein forms K537I, K603I, K577I, K580I.
Identifiers: ClinVar variation 3681534 (VCV003681534.2).

ClinVar aggregate classification (germline): Uncertain significance (1 of 4 stars; one submission).

gnomAD v4.1: 1 of 1,614,070 alleles (0.000062%); highest among the groups gnomAD compares: South Asian, 0.0011%; no homozygotes.

Submission:

Labcorp Genetics (formerly Invitae), Labcorp
Classification: Uncertain significance. Last evaluated: 2024-03-27. Review status: criteria provided, single submitter. Criteria: Invitae Variant Classification Sherloc (09022015). Collection method: clinical testing. Allele origin: germline.
Comment: This sequence change replaces lysine, which is basic and polar, with isoleucine, which is neutral and non-polar, at codon 603 of the AK7 protein (p.Lys603Ile). This variant is present in population databases (rs760375948, gnomAD 0.003%). This variant has not been reported in the literature in individuals affected with AK7-related conditions. Advanced modeling of protein sequence and biophysical properties (such as structural, functional, and spatial information, amino acid conservation, physicochemical variation, residue mobility, and thermodynamic stability) has been performed at Invitae for this missense variant, however the output from this modeling did not meet the statistical confidence thresholds required to predict the impact of this variant on AK7 protein function. In summary, the available evidence is currently insufficient to determine the role of this variant in disease. Therefore, it has been classified as a Variant of Uncertain Significance.